The following is an entry in ClinVar:

NM_001025603.2(RFX5):c.1673T>C (p.Ile558Thr)

Gene: RFX5 (regulatory factor X5; minus strand). Cytogenetic location: 1q21.3.
Variant type: single nucleotide variant.
Coding change: c.1673T>C on transcript NM_001025603.2 (MANE Select); coding-DNA position 1673, T replaced by C.
Protein change: p.Ile558Thr; replaces isoleucine 558 with threonine.
Molecular consequence: missense variant.
Genome position (GRCh38, 1-based): chr1:151,342,364, A>G on the plus strand (T>C on the coding strand, the complement: RFX5 is on the minus strand). VCF-style: chr1-151342364-A-G. GRCh37 (hg19) VCF-style: chr1-151314840-A-G.
Other names: c.1673T>C, p.Ile558Thr (NM_000449.4, NM_001379412.1, NM_001379413.1 and 5 more transcripts); c.1553T>C, p.Ile518Thr (NM_001379419.1, NM_001379420.1); short protein forms I558T, I518T.
Identifiers: ClinVar variation 838606 (VCV000838606.11), dbSNP rs966468525, ClinGen allele CA29557678.

ClinVar aggregate classification (germline): Uncertain significance. Review status: criteria provided, multiple submitters, no conflicts (2 of 4 stars). 3 submissions from 3 submitters: Uncertain significance (3). Last evaluated 2025-02-17.

Conditions:
MHC class II deficiency. Also called: BLS, TYPE II; Bare lymphocyte syndrome 2. Identifiers: Orphanet 572, MedGen C5447452, MONDO:0008855.

Allele frequency attached by ClinVar (database versions not stated): gnomAD exomes below 0.00001; gnomAD 0.00002; TOPMed 0.00002.
gnomAD v4.1: 6 of 1,613,950 alleles (0.00037%); highest among the groups gnomAD compares: African/African-American, 0.008%; no homozygotes.

Submissions (3):

Labcorp Genetics (formerly Invitae), Labcorp
Classification: Uncertain significance for MHC class II deficiency. Last evaluated: 2025-02-17. Review status: criteria provided, single submitter. Criteria: Invitae Variant Classification Sherloc (09022015). Collection method: clinical testing. Allele origin: germline.
Comment: This sequence change replaces isoleucine, which is neutral and non-polar, with threonine, which is neutral and polar, at codon 558 of the RFX5 protein (p.Ile558Thr). This variant is present in population databases (no rsID available, gnomAD 0.008%). This variant has not been reported in the literature in individuals affected with RFX5-related conditions. ClinVar contains an entry for this variant (Variation ID: 838606). An algorithm developed to predict the effect of missense changes on protein structure and function outputs the following: PolyPhen-2: "Benign". The threonine amino acid residue is found in multiple mammalian species, which suggests that this missense change does not adversely affect protein function. In summary, the available evidence is currently insufficient to determine the role of this variant in disease. Therefore, it has been classified as a Variant of Uncertain Significance.

Genome-Nilou Lab
Classification: Uncertain significance for MHC class II deficiency 1. Last evaluated: 2023-04-11. Review status: criteria provided, single submitter. Criteria: ACMG Guidelines, 2015. Collection method: clinical testing. Allele origin: germline. Affected: no.

Ambry Genetics
Classification: Uncertain significance. Last evaluated: 2022-06-09. Review status: criteria provided, single submitter. Criteria: Ambry Variant Classification Scheme 2023. Collection method: clinical testing. Allele origin: germline.